The following is an entry in ClinVar:

ClinVar aggregate classification (germline): Uncertain significance (1 of 4 stars; one submission).

Submission:

Women's Health and Genetics/Laboratory Corporation of America, LabCorp
Classification: Uncertain significance. Last evaluated: 2018-08-23. Review status: criteria provided, single submitter. Criteria: LabCorp Variant Classification Summary - May 2015. Collection method: clinical testing. Allele origin: germline.
Comment: Variant summary: PMS2 c.2006+67delT is located at a position not widely known to affect splicing. 5/5 computational tools predict no significant impact on normal splicing. However, these predictions have yet to be confirmed by functional studies. The variant allele was found at a frequency of 0.0001 in 29904 control chromosomes. The available data on variant occurrences in the general population are insufficient to allow any conclusion about variant significance. To our knowledge, no occurrence of c.2006+67delT in individuals affected with Lynch Syndrome and no experimental evidence demonstrating its impact on protein function have been reported. No clinical diagnostic laboratories have submitted clinical-significance assessments for this variant to ClinVar after 2014. Based on the evidence outlined above, the variant was classified as VUS-possibly benign.

NM_000535.7(PMS2):c.2006+67del

Gene: PMS2 (PMS1 homolog 2, mismatch repair system component; minus strand). Cytogenetic location: 7p22.1.
Variant type: Deletion.
Coding change: c.2006+67del on transcript NM_000535.7 (MANE Select); 67 bases into the intron after coding-DNA position 2006, one base deleted (T; older notation c.2006+67delT).
Molecular consequence: intron variant.
Genome position (GRCh38, 1-based): chr7:5,986,692, A deleted on the plus strand (T on the coding strand, the reverse complement: PMS2 is on the minus strand); the first of 7 consecutive A bases (chr7:5,986,692-5,986,698); deleting any one gives the same sequence. VCF-style (leftmost placement, unchanged base first): chr7-5986691-CA-C. GRCh37 (hg19) VCF-style: chr7-6026322-CA-C.
Other names: c.2006+67delT (NM_000535.5); c.1688+67del (NM_001322008.2, NM_001322007.2); c.1445+67del (NM_001322010.2); c.1601+67del (NM_001322004.2, NM_001322003.2, NM_001322009.2 and 1 more transcripts); c.1433+67del (NM_001322013.2); c.1073+67del (NM_001322012.2, NM_001322011.2); c.1697+67del (NM_001322015.2); c.1850+67del (NM_001322006.2); and 1 more.
Identifiers: ClinVar variation 633370 (VCV000633370.1), dbSNP rs1159879425, ClinGen allele CA572822518.